The following is an entry in ClinVar:

ClinVar aggregate classification (germline): Likely benign. Review status: criteria provided, multiple submitters, no conflicts (2 of 4 stars). 2 submissions from 2 submitters: Likely benign (2). Last evaluated 2025-12-03.

Conditions:
MYO18B-related disorder. Also called: MYO18B-related condition.

Allele frequency attached by ClinVar (database versions not stated): gnomAD exomes 0.00001; TOPMed 0.00001; ExAC 0.00003.
gnomAD v4.1: 7 of 1,614,028 alleles (0.00043%); highest among the groups gnomAD compares: Admixed American, 0.012%; no homozygotes.

Submissions (2):

PreventionGenetics, part of Exact Sciences
Classification: Likely benign for MYO18B-related condition. Last evaluated: 2025-12-03. Review status: criteria provided, single submitter. Criteria: ACMG Guidelines, 2015. Collection method: clinical testing. Allele origin: germline.
Comment: This variant is classified as likely benign based on ACMG/AMP sequence variant interpretation guidelines (Richards et al. 2015 PMID: 25741868, with internal and published modifications).

Labcorp Genetics (formerly Invitae), Labcorp
Classification: Likely benign. Last evaluated: 2024-07-12. Review status: criteria provided, single submitter. Criteria: Invitae Variant Classification Sherloc (09022015). Collection method: clinical testing. Allele origin: germline.

NM_032608.7(MYO18B):c.2919G>A (p.Glu973=)

Gene: MYO18B (myosin XVIIIB; plus strand). Cytogenetic location: 22q12.1.
Variant type: single nucleotide variant.
Coding change: c.2919G>A on transcript NM_032608.7 (MANE Select); coding-DNA position 2919, G replaced by A.
Protein change: p.Glu973=; no amino-acid change (glutamic acid 973 retained).
Molecular consequence: synonymous variant.
Genome position (GRCh38, 1-based): chr22:25,828,908, G>A. VCF-style: chr22-25828908-G-A. GRCh37 (hg19) VCF-style: chr22-26224875-G-A.
Other names: c.2919G>A (NM_032608.6); c.2919G>A, p.Glu973= (NM_001318245.2).
Identifiers: ClinVar variation 1904610 (VCV001904610.6), dbSNP rs755395365, ClinGen allele CA10160369.
Genomic context (GRCh38, chr22:25,828,908, plus strand): 5'-GCACCAGGGCAAGGACCGGGCGGCCACCTTTGAGGAGCTGTGCCACAACTACGCCCATGA[G>A]CGCCTGCAGCTGCTGTTCTACCAGCGGACCTTTGTCTCCACGCTACAGCGATATCAAGAG-3'
Protein context (NP_115997.5, residues 963-983): FEELCHNYAH[Glu973=]RLQLLFYQRT